The following is an entry in ClinVar:

ClinVar aggregate classification (germline): Uncertain significance (1 of 4 stars; one submission).

Conditions:
Cardiomyopathy (CMYO). Also called: Cardiomyopathies. Identifiers: Orphanet 167848, MedGen C0878544, MONDO:0004994, HP:0001638. Inheritance: Various modes of inheritance.

Allele frequency attached by ClinVar (database versions not stated): gnomAD exomes below 0.00001.

Submission:

Color Diagnostics, LLC DBA Color Health
Classification: Uncertain significance for Cardiomyopathy. Last evaluated: 2024-03-06. Review status: criteria provided, single submitter. Criteria: ACMG Guidelines, 2015. Collection method: clinical testing. Allele origin: germline.
Comment: This missense variant replaces asparagine with aspartic acid at codon 399 of the MYBPC3 protein. Computational prediction suggests that this variant may not impact protein structure and function (internally defined REVEL score threshold <= 0.5, PMID: 27666373). To our knowledge, functional studies have not been reported for this variant. This variant has not been reported in individuals affected with cardiovascular disorders in the literature. This variant has not been identified in the general population by the Genome Aggregation Database (gnomAD). The available evidence is insufficient to determine the role of this variant in disease conclusively. Therefore, this variant is classified as a Variant of Uncertain Significance.

NM_000256.3(MYBPC3):c.1195A>G (p.Asn399Asp)

Gene: MYBPC3 (myosin binding protein C3; minus strand). Cytogenetic location: 11p11.2.
Variant type: single nucleotide variant.
Coding change: c.1195A>G on transcript NM_000256.3 (MANE Select); coding-DNA position 1195, A replaced by G.
Protein change: p.Asn399Asp; replaces asparagine 399 with aspartic acid.
Molecular consequence: missense variant.
Genome position (GRCh38, 1-based): chr11:47,343,520, T>C on the plus strand (A>G on the coding strand, the complement: MYBPC3 is on the minus strand). VCF-style: chr11-47343520-T-C. GRCh37 (hg19) VCF-style: chr11-47365071-T-C.
Other names: short protein forms N399D.
Identifiers: ClinVar variation 1171482 (VCV001171482.3), dbSNP rs2142862196, ClinGen allele CA380328633.